The following is an entry in ClinVar:

ClinVar aggregate classification (germline): Pathogenic (1 of 4 stars; one submission).

Conditions:
Nemaline myopathy 2 (NEM2). Also called: Nemaline myopathy 2, autosomal recessive. Identifiers: MedGen C1850569, MONDO:0009725, OMIM 256030.

Submission:

Myriad Genetics, Inc.
Classification: Pathogenic for Nemaline myopathy 2. Last evaluated: 2024-04-24. Review status: criteria provided, single submitter. Criteria: Myriad Autosomal Dominant, Autosomal Recessive and X-Linked Classification Criteria (2023). Collection method: clinical testing. Allele origin: unknown.
Comment: NM_001271208.1(NEB):c.22620delC(K7541Rfs*16) is expected to be pathogenic in the context of NEB-related nemaline myopathy. This variant is predicted to lead to an abnormal or absent protein product due to the creation of a premature termination codon in NEB, a gene where loss-of-function variants are known to be pathogenic. Please note: this variant was assessed in the context of healthy population screening.

NM_001164508.2(NEB):c.22515del (p.Lys7506fs)

Genes: NEB (nebulin; minus strand), RIF1 (replication timing regulatory factor 1; plus strand). Cytogenetic location: 2q23.3.
Variant type: Deletion.
Coding change: c.22515del on transcript NM_001164508.2 (MANE Select); coding-DNA position 22515, one base deleted (C; older notation c.22515delC).
Protein change: p.Lys7506fs; shifts the reading frame from lysine 7506.
Molecular consequence: frameshift variant.
Genome position (GRCh38, 1-based): chr2:151,519,733, G deleted on the plus strand (C on the coding strand, the reverse complement: NEB is on the minus strand). VCF-style (leftmost placement, unchanged base first): chr2-151519732-TG-T. GRCh37 (hg19) VCF-style: chr2-152376246-TG-T.
Other names: c.22515del, p.Lys7506fs (NM_001164507.2); c.22620del, p.Lys7541fs (NM_001271208.2); c.17412del, p.Lys5805fs (NM_004543.5); short protein forms K5805fs, K7506fs, K7541fs.
Identifiers: ClinVar variation 5012947 (VCV005012947.1).